The following is an entry in ClinVar:

NM_001128225.3(SLC39A13):c.645+3G>A

Gene: SLC39A13 (solute carrier family 39 member 13; plus strand). Cytogenetic location: 11p11.2.
Variant type: single nucleotide variant.
Coding change: c.645+3G>A on transcript NM_001128225.3 (MANE Select); 3 bases into the intron after coding-DNA position 645, G replaced by A.
Molecular consequence: intron variant.
Genome position (GRCh38, 1-based): chr11:47,413,510, G>A. VCF-style: chr11-47413510-G-A. GRCh37 (hg19) VCF-style: chr11-47435061-G-A.
Other names: c.645+3G>A (NM_152264.5, NM_001330245.2).
Identifiers: ClinVar variation 1384286 (VCV001384286.6), dbSNP rs2153299338, ClinGen allele CA2573147235.

ClinVar aggregate classification (germline): Uncertain significance (1 of 4 stars; one submission).

Conditions:
Ehlers-Danlos syndrome, spondylodysplastic type, 3. Also called: Ehlers-Danlos syndrome, spondylocheirodysplastic type. Identifiers: Orphanet 157965, MedGen C2676510, MONDO:0012873, OMIM 612350.

Submission:

Labcorp Genetics (formerly Invitae), Labcorp
Classification: Uncertain significance for Ehlers-Danlos syndrome, spondylodysplastic type, 3. Last evaluated: 2020-12-09. Review status: criteria provided, single submitter. Criteria: Invitae Variant Classification Sherloc (09022015). Collection method: clinical testing. Allele origin: germline.
Comment: In summary, the available evidence is currently insufficient to determine the role of this variant in disease. Therefore, it has been classified as a Variant of Uncertain Significance. Nucleotide substitutions within the consensus splice site are a relatively common cause of aberrant splicing (PMID: 17576681, 9536098). Algorithms developed to predict the effect of sequence changes on RNA splicing suggest that this variant is not likely to affect RNA splicing, but this prediction has not been confirmed by published transcriptional studies. This variant has not been reported in the literature in individuals with SLC39A13-related conditions. This variant is not present in population databases (ExAC no frequency). This sequence change falls in intron 5 of the SLC39A13 gene. It does not directly change the encoded amino acid sequence of the SLC39A13 protein. It affects a nucleotide within the consensus splice site of the intron.

Literature cited by the submitters: PubMed 17576681; PubMed 9536098.